The following is an entry in ClinVar:

ClinVar aggregate classification (germline): Likely benign. Review status: criteria provided, multiple submitters, no conflicts (2 of 4 stars). 2 submissions from 2 submitters: Likely benign (2). Last evaluated 2026-08-20.

Conditions:
Hereditary sensory and autonomic neuropathy type 6. Also called: HSAN VI; Neuropathy, hereditary sensory and autonomic, type VI. Identifiers: Orphanet 314381, MedGen C3539003, MONDO:0013839, OMIM 614653.
Epidermolysis bullosa simplex 3, localized or generalized intermediate, with BP230 deficiency (EBS3). Also called: Epidermolysis bullosa simplex, autosomal recessive 2; Epidermolysis bullosa simplex due to BP230 deficiency. Identifiers: Orphanet 412181, MedGen C3809470, MONDO:0014180, OMIM 615425.
DST-related disorder. Also called: DST-related condition; DST-related disorders.

Allele frequency attached by ClinVar (database versions not stated): gnomAD exomes below 0.00001; gnomAD 0.00001; TOPMed 0.00001.
gnomAD v4.1: 4 of 1,613,868 alleles (0.00025%); highest among the groups gnomAD compares: Non-Finnish European, 0.00034%; no homozygotes.

Submissions (2):

PreventionGenetics, part of Exact Sciences
Classification: Likely benign for DST-related condition. Last evaluated: 2026-08-20. Review status: criteria provided, single submitter. Criteria: ACMG Guidelines, 2015. Collection method: clinical testing. Allele origin: germline.
Comment: This variant is classified as likely benign based on ACMG/AMP sequence variant interpretation guidelines (Richards et al. 2015 PMID: 25741868, with internal and published modifications).

Labcorp Genetics (formerly Invitae), Labcorp
Classification: Likely benign for Epidermolysis bullosa simplex 3, localized or generalized intermediate, with BP230 deficiency; Hereditary sensory and autonomic neuropathy type 6. Last evaluated: 2025-04-18. Review status: criteria provided, single submitter. Criteria: Invitae Variant Classification Sherloc (09022015). Collection method: clinical testing. Allele origin: germline.

NM_001374736.1(DST):c.15696G>A (p.Leu5232=)

Gene: DST (dystonin; minus strand). Cytogenetic location: 6p12.1.
Variant type: single nucleotide variant.
Coding change: c.15696G>A on transcript NM_001374736.1 (MANE Select); coding-DNA position 15696, G replaced by A.
Protein change: p.Leu5232=; no amino-acid change (leucine 5232 retained).
Molecular consequence: synonymous variant.
Genome position (GRCh38, 1-based): chr6:56,553,096, C>T on the plus strand (G>A on the coding strand, the complement: DST is on the minus strand). VCF-style: chr6-56553096-C-T. GRCh37 (hg19) VCF-style: chr6-56417894-C-T.
Other names: c.9339G>A, p.Leu3113= (NM_001144769.5); c.8925G>A, p.Leu2975= (NM_001144770.2); c.15696G>A, p.Leu5232= (NM_001374722.1); c.15063G>A, p.Leu5021= (NM_001374729.1); c.8805G>A, p.Leu2935= (NM_001374730.1, NM_001386100.1, NM_183380.4); c.15723G>A, p.Leu5241= (NM_001374734.1); c.7827G>A, p.Leu2609= (NM_015548.5); c.9339G>A (NM_001144769.2).
Identifiers: ClinVar variation 1093107 (VCV001093107.10), dbSNP rs1408470142, ClinGen allele CA450619952.
Genomic context (GRCh38, chr6:56,553,096, plus strand): 5'-CTGGATCAGTGACTTATTCTCATCTGTAACAACTTCTTTATCTATCTCACAGACACTGAG[C>T]AAGCTATTGGCTGTGTTGTTCAGTAATTCTACCATACCAAAGTGTTGGTCCATTTCCTTC-3'
Protein context (NP_001361665.1, residues 5222-5242): VELLNNTANS[Leu5232=]LSVCEIDKEV